The following is an entry in ClinVar:

NM_001291415.2(KDM6A):c.406C>T (p.Leu136Phe)

Gene: KDM6A (lysine demethylase 6A; plus strand). Cytogenetic location: Xp11.3.
Variant type: single nucleotide variant.
Coding change: c.406C>T on transcript NM_001291415.2 (MANE Select); coding-DNA position 406, C replaced by T.
Protein change: p.Leu136Phe; replaces leucine 136 with phenylalanine.
Molecular consequence: missense variant. On other transcripts: 5 prime UTR variant (1), non-coding transcript variant (1).
Genome position (GRCh38, 1-based): chrX:45,010,982, C>T. VCF-style: chrX-45010982-C-T. GRCh37 (hg19) VCF-style: chrX-44870227-C-T.
Other names: c.406C>T, p.Leu136Phe (NM_001291416.2, NM_001291417.2, NM_001291418.2 and 9 more transcripts); c.-227C>T (NM_001291421.2); short protein forms L136F.
Identifiers: ClinVar variation 2582128 (VCV002582128.4), dbSNP rs2521643255, ClinGen allele CA413022115.
Genomic context (GRCh38, chrX:45,010,982, plus strand): 5'-AAGTATTTTTCCTAAAAATCTTTTTCCCTTCCTTTACAGAATGCTGCCTTTTTATATGGT[C>T]TTGGTTTGGTCTACTTCCATTATAATGCATTTCAGTGGTAAGTTGACATAAAACCAGTAA-3'
Protein context (NP_001278344.1, residues 126-146): YWKNAAFLYG[Leu136Phe]GLVYFHYNAF

ClinVar aggregate classification (germline): Uncertain significance. Review status: criteria provided, multiple submitters, no conflicts (2 of 4 stars). 2 submissions from 2 submitters: Uncertain significance (2). Last evaluated 2023-03-27.

Conditions:
Kabuki syndrome 2 (KABUK2). Also called: KDM6A-Related Kabuki Syndrome. Identifiers: Orphanet 2322, MedGen C3275495, MONDO:0010465, OMIM 300867.

Submissions (2):

GeneDx
Classification: Uncertain significance. Last evaluated: 2023-03-27. Review status: criteria provided, single submitter. Criteria: GeneDx Variant Classification Process June 2021. Collection method: clinical testing. Allele origin: germline. Affected: yes.
Comment: Not observed at significant frequency in large population cohorts (gnomAD); In silico analysis supports that this missense variant has a deleterious effect on protein structure/function; Has not been previously published as pathogenic or benign to our knowledge

Labcorp Genetics (formerly Invitae), Labcorp
Classification: Uncertain significance for Kabuki syndrome 2. Last evaluated: 2023-02-14. Review status: criteria provided, single submitter. Criteria: Invitae Variant Classification Sherloc (09022015). Collection method: clinical testing. Allele origin: germline.
Comment: This sequence change replaces leucine, which is neutral and non-polar, with phenylalanine, which is neutral and non-polar, at codon 136 of the KDM6A protein (p.Leu136Phe). This variant is not present in population databases (gnomAD no frequency). This variant has not been reported in the literature in individuals affected with KDM6A-related conditions. Advanced modeling of protein sequence and biophysical properties (such as structural, functional, and spatial information, amino acid conservation, physicochemical variation, residue mobility, and thermodynamic stability) performed at Invitae indicates that this missense variant is expected to disrupt KDM6A protein function. In summary, the available evidence is currently insufficient to determine the role of this variant in disease. Therefore, it has been classified as a Variant of Uncertain Significance.